The following is an entry in ClinVar:

ClinVar aggregate classification (germline): Conflicting classifications of pathogenicity. Review status: criteria provided, conflicting classifications (1 of 4 stars). 7 submissions from 7 submitters: Uncertain significance (6); Likely benign (1). Last evaluated 2026-06-15.

Conditions:
Autoinflammatory syndrome. Identifiers: Orphanet 93665, MedGen C3890737, MONDO:0019751.
Proteasome-associated autoinflammatory syndrome 1 (PRAAS1). Also called: JOINT CONTRACTURES, MUSCULAR ATROPHY, MICROCYTIC ANEMIA, AND PANNICULITIS-INDUCED LIPODYSTROPHY; JMP SYNDROME; AUTOINFLAMMATION, LIPODYSTROPHY, AND DERMATOSIS SYNDROME; NAKAJO-NISHIMURA SYNDROME; CHRONIC ATYPICAL NEUTROPHILIC DERMATOSIS WITH LIPODYSTROPHY AND ELEVATED TEMPERATURE SYNDROME; Nakajo syndrome. Identifiers: Orphanet 2615, Orphanet 324977, Orphanet 324999, Orphanet 325004, MedGen C4746851, MONDO:0054698, OMIM 256040.
Proteosome-associated autoinflammatory syndrome. Also called: Proteasome-associated autoinflammatory syndrome. Identifiers: Orphanet 324977, MedGen C1850568, MONDO:0009726.

Allele frequency attached by ClinVar (database versions not stated): ExAC 0.00056; gnomAD exomes 0.00059; 1000 Genomes Project 0.00060; ESP Exome Variant Server 0.00071; gnomAD 0.00071 and 0.00072; TOPMed 0.00073; 1000 Genomes Project 30x 0.00094.
gnomAD v4.1: 1,522 of 1,612,998 alleles (0.094%); highest among the groups gnomAD compares: Non-Finnish European, 0.12%; 4 homozygotes.

Submissions (7):

Women's Health and Genetics/Laboratory Corporation of America, LabCorp
Classification: Uncertain significance. Last evaluated: 2026-06-15. Review status: criteria provided, single submitter. Criteria: LabCorp Variant Classification Summary - May 2015. Collection method: clinical testing. Allele origin: germline.
Comment: Variant summary: PSMB8 c.701A>G (p.Tyr234Cys) results in a non-conservative amino acid change in the encoded protein sequence. Algorithms developed to predict the effect of missense changes on protein structure and function are either unavailable or do not agree on the potential impact of this missense change. The variant allele was found at a frequency of 0.00059 in 246572 control chromosomes in the gnomAD database, including 1 homozygote. This frequency is not significantly higher than estimated for disease-causing variants in PSMB8, allowing no conclusion about variant significance. To our knowledge, no occurrence of c.701A>G in individuals affected with PSMB8-related conditions and no experimental evidence demonstrating its impact on protein function have been reported. ClinVar contains an entry for this variant (Variation ID: 356362). Based on the evidence outlined above, the variant was classified as uncertain significance.

Labcorp Genetics (formerly Invitae), Labcorp
Classification: Likely benign for Proteosome-associated autoinflammatory syndrome. Last evaluated: 2025-12-24. Review status: criteria provided, single submitter. Criteria: Invitae Variant Classification Sherloc (09022015). Collection method: clinical testing. Allele origin: germline.

Blueprint Genetics
Classification: Uncertain significance. Last evaluated: 2024-09-24. Review status: criteria provided, single submitter. Criteria: ACMG Guidelines, 2015. Collection method: clinical testing. Allele origin: germline.

Revvity Omics, Revvity
Classification: Uncertain significance for Proteasome-associated autoinflammatory syndrome 1. Last evaluated: 2021-04-29. Review status: criteria provided, single submitter. Criteria: ACMG Guidelines, 2015. Collection method: clinical testing. Allele origin: germline.

Genome Diagnostics Laboratory, The Hospital for Sick Children
Classification: Uncertain significance for Autoinflammatory syndrome. Last evaluated: 2020-08-21. Review status: criteria provided, single submitter. Criteria: ACMG Guidelines, 2015. Collection method: clinical testing. Allele origin: germline. Affected: yes.

Fulgent Genetics
Classification: Uncertain significance for Proteasome-associated autoinflammatory syndrome 1. Last evaluated: 2018-10-31. Review status: criteria provided, single submitter. Criteria: ACMG Guidelines, 2015. Collection method: clinical testing. Allele origin: unknown.

Illumina Laboratory Services, Illumina
Classification: Uncertain significance for Proteasome-associated autoinflammatory syndrome 1. Last evaluated: 2018-01-12. Review status: criteria provided, single submitter. Criteria: ICSL Variant Classification Criteria 13 December 2019. Collection method: clinical testing. Allele origin: germline.

NM_148919.4(PSMB8):c.701A>G (p.Tyr234Cys)

Gene: PSMB8 (proteasome 20S subunit beta 8; minus strand). Cytogenetic location: 6p21.32.
Variant type: single nucleotide variant.
Coding change: c.701A>G on transcript NM_148919.4 (MANE Select); coding-DNA position 701, A replaced by G.
Protein change: p.Tyr234Cys; replaces tyrosine 234 with cysteine.
Molecular consequence: missense variant.
Genome position (GRCh38, 1-based): chr6:32,841,572, T>C on the plus strand (A>G on the coding strand, the complement: PSMB8 is on the minus strand). VCF-style: chr6-32841572-T-C. GRCh37 (hg19) VCF-style: chr6-32809349-T-C.
Other names: c.701A>G, p.Tyr234Cys (LRG_1328t1); c.689A>G, p.Tyr230Cys (LRG_1328t2, NM_004159.5); short protein forms Y230C, Y234C.
Identifiers: ClinVar variation 356362 (VCV000356362.21), dbSNP rs55853041, ClinGen allele CA3746312.